The following is an entry in ClinVar:

ClinVar aggregate classification (germline): Benign/Likely benign. Review status: criteria provided, multiple submitters, no conflicts (2 of 4 stars). 3 submissions from 3 submitters: Benign (1); Likely benign (1). 1 of the submissions does not count toward it. Last evaluated 2025-12-14.

Conditions:
NEBL-related disorder. Also called: NEBL-related condition.
Primary dilated cardiomyopathy (DCM). Also called: Dilated Cardiomyopathy. Identifiers: Orphanet 217604, MedGen C0007193, MeSH D002311, MONDO:0005021, HP:0001644. Inheritance: Various modes of inheritance.

Allele frequency attached by ClinVar (database versions not stated): TOPMed 0.00001; gnomAD 0.00006; gnomAD exomes 0.00008 and 0.00010; ExAC 0.00013.
gnomAD v4.1: 119 of 1,613,832 alleles (0.0074%); highest among the groups gnomAD compares: South Asian, 0.11%; no homozygotes.

Submissions (4):

Labcorp Genetics (formerly Invitae), Labcorp
Classification: Likely benign for Primary dilated cardiomyopathy. Last evaluated: 2025-12-14. Review status: criteria provided, single submitter. Criteria: Invitae Variant Classification Sherloc (09022015). Collection method: clinical testing. Allele origin: germline.

Women's Health and Genetics/Laboratory Corporation of America, LabCorp
Classification: Benign. Last evaluated: 2025-12-01. Review status: criteria provided, single submitter. Criteria: LabCorp Variant Classification Summary - May 2015. Collection method: clinical testing. Allele origin: germline.
Comment: Variant summary: NEBL c.2055G>A (p.Ala685Ala) alters a non-conserved nucleotide located close to a canonical splice site and therefore could affect mRNA splicing, leading to a significantly altered protein sequence. Consensus agreement among computation tools predict no significant impact on normal splicing. However, these predictions have yet to be confirmed by functional studies. The variant allele was found at a frequency of 9.9e-05 in 251264 control chromosomes, predominantly at a frequency of 0.00075 within the South Asian subpopulation in the gnomAD database. The observed variant frequency within South Asian control individuals in the gnomAD database exceeds the estimated maximal expected allele frequency for disease-causing variants in NEBL. To our knowledge, no occurrence of c.2055G>A in individuals affected with NEBL-related conditions and no experimental evidence demonstrating its impact on protein function have been reported. ClinVar contains an entry for this variant (Variation ID: 702320). Based on the evidence outlined above, the variant was classified as benign.

PreventionGenetics, part of Exact Sciences
Classification: Likely benign for NEBL-related condition. Last evaluated: 2019-12-23. Review status: no assertion criteria provided. Collection method: clinical testing. Allele origin: germline. Not counted in ClinVar's aggregate classification.
Comment: This variant is classified as likely benign based on ACMG/AMP sequence variant interpretation guidelines (Richards et al. 2015 PMID: 25741868, with internal and published modifications).

Dr. Peter K. Rogan Lab, Western University
No classification provided (evidence only). Condition: Thyroid cancer, nonmedullary, 1. Review status: no classification provided. Collection method: in vitro. Allele origin: not applicable. Functional consequence: retained intron. Not counted in ClinVar's aggregate classification.

NM_006393.3(NEBL):c.2055G>A (p.Ala685=)

Gene: NEBL (nebulette; minus strand). Cytogenetic location: 10p12.31.
Variant type: single nucleotide variant.
Coding change: c.2055G>A on transcript NM_006393.3 (MANE Select); coding-DNA position 2055, G replaced by A.
Protein change: p.Ala685=; no amino-acid change (alanine 685 retained).
Molecular consequence: synonymous variant. On other transcripts: intron variant (9).
Genome position (GRCh38, 1-based): chr10:20,819,424, C>T on the plus strand (G>A on the coding strand, the complement: NEBL is on the minus strand). VCF-style: chr10-20819424-C-T. GRCh37 (hg19) VCF-style: chr10-21108353-C-T.
Other names: c.250-6484G>A (NM_001377326.1, NM_001377327.1, NM_001377328.1); c.358-6484G>A (NM_213569.2, NM_001173484.2, NM_001377322.1); c.301-6484G>A (NM_001377324.1); c.292-6484G>A (NM_001377325.1); c.310-6484G>A (NM_001377323.1).
Identifiers: ClinVar variation 702320 (VCV000702320.15), dbSNP rs746081261, ClinGen allele CA5432632.
Genomic context (GRCh38, chr10:20,819,424, plus strand): 5'-ATTTTTAAATAAAAATATGTTATGTTTGAGAAAATATAAAAGGAAACAGAAACGACTTGC[C>T]GCACTCAGCTGCTCCTGGTTTCGCCTCACTCTCTCTATCTCCGGGGTCATGCTTACCGGA-3'
Protein context (NP_006384.1, residues 675-695): RVRRNQEQLS[Ala685=]VKYKGELQRG